The following is an entry in ClinVar:

ClinVar aggregate classification (germline): Uncertain significance (1 of 4 stars; one submission).

Conditions:
Familial cancer of breast. Also called: BREAST CANCER, FAMILIAL; hereditary breast carcinoma; Hereditary breast cancer. Identifiers: Orphanet 227535, MedGen C0346153, MONDO:0016419, OMIM 114480. Disease mechanism: loss of function.

Submission:

Labcorp Genetics (formerly Invitae), Labcorp
Classification: Uncertain significance for Familial cancer of breast. Last evaluated: 2018-07-09. Review status: criteria provided, single submitter. Criteria: Invitae Variant Classification Sherloc (09022015). Collection method: clinical testing. Allele origin: germline.
Comment: This sequence change replaces phenylalanine with tyrosine at codon 732 of the BARD1 protein (p.Phe732Tyr). The phenylalanine residue is highly conserved and there is a small physicochemical difference between phenylalanine and tyrosine. This variant is not present in population databases (ExAC no frequency). This variant has not been reported in the literature in individuals with BARD1-related disease. Algorithms developed to predict the effect of missense changes on protein structure and function (SIFT, PolyPhen-2, Align-GVGD) all suggest that this variant is likely to be tolerated, but these predictions have not been confirmed by published functional studies and their clinical significance is uncertain. In summary, the available evidence is currently insufficient to determine the role of this variant in disease. Therefore, it has been classified as a Variant of Uncertain Significance.

NM_000465.4(BARD1):c.2195T>A (p.Phe732Tyr)

Gene: BARD1 (BRCA1 associated RING domain 1; minus strand). Cytogenetic location: 2q35.
Variant type: single nucleotide variant.
Coding change: c.2195T>A on transcript NM_000465.4 (MANE Select); coding-DNA position 2195, T replaced by A.
Protein change: p.Phe732Tyr; replaces phenylalanine 732 with tyrosine.
Molecular consequence: missense variant. On other transcripts: non-coding transcript variant (3).
Genome position (GRCh38, 1-based): chr2:214,728,815, A>T on the plus strand (T>A on the coding strand, the complement: BARD1 is on the minus strand). VCF-style: chr2-214728815-A-T. GRCh37 (hg19) VCF-style: chr2-215593539-A-T.
Other names: c.2138T>A, p.Phe713Tyr (NM_001282543.2); c.842T>A, p.Phe281Tyr (NM_001282545.2); c.785T>A, p.Phe262Tyr (NM_001282548.2); c.656T>A, p.Phe219Tyr (NM_001282549.2); short protein forms F281Y, F219Y, F262Y, F713Y, F732Y.
Identifiers: ClinVar variation 662795 (VCV000662795.9), dbSNP rs760201905, ClinGen allele CA350450279.